The following is an entry in ClinVar:

ClinVar aggregate classification (germline): Pathogenic/Likely pathogenic. Review status: criteria provided, multiple submitters, no conflicts (2 of 4 stars). 9 submissions from 9 submitters: Pathogenic (3); Likely pathogenic (4). 2 of the submissions do not count toward it. Last evaluated 2026-03-31.

Conditions:
Familial cancer of breast. Also called: Hereditary breast cancer; BREAST CANCER, FAMILIAL; hereditary breast carcinoma. Identifiers: Orphanet 227535, MedGen C0346153, MONDO:0016419, OMIM 114480. Disease mechanism: loss of function.
Hereditary cancer-predisposing syndrome. Also called: Tumor predisposition; Hereditary Cancer Syndrome; Neoplastic Syndromes, Hereditary; Hereditary neoplastic syndrome. Identifiers: Orphanet 140162, MedGen C0027672, MeSH D009386, MONDO:0015356.
Ataxia-telangiectasia syndrome (AT). Also called: Ataxia-telangiectasia, complementation group E; Ataxia-telangiectasia, complementation group D; AT, COMPLEMENTATION GROUP C; ATAXIA-TELANGIECTASIA, COMPLEMENTATION GROUP A; ATAXIA-TELANGIECTASIA, FRESNO VARIANT; Ataxia-telangiectasia. Identifiers: Orphanet 100, MedGen C0004135, MONDO:0008840, OMIM 208900.

gnomAD v4.1: 3 of 1,613,264 alleles (0.00019%); highest among the groups gnomAD compares: Non-Finnish European, 0.00025%; no homozygotes.

Submissions (9):

Myriad Genetics, Inc.
Classification: Likely pathogenic for Familial cancer of breast. Last evaluated: 2026-03-31. Review status: criteria provided, single submitter. Criteria: Myriad Autosomal Dominant, Autosomal Recessive and X-Linked Classification Criteria (2023). Collection method: clinical testing. Allele origin: unknown.
Comment: This variant is considered likely pathogenic. This variant occurs within a consensus splice junction and is predicted to result in abnormal mRNA splicing of either an out-of-frame exon or an in-frame exon necessary for protein stability and/or normal function. This variant has been reported in an individual with clinical features of gene-specific disease [PMID: 22213089].

Genomic Medicine Center of Excellence, King Faisal Specialist Hospital and Research Centre
Classification: Pathogenic for Ataxia-telangiectasia syndrome. Last evaluated: 2025-09-10. Review status: criteria provided, single submitter. Criteria: ACMG Guidelines, 2015. Collection method: clinical testing. Allele origin: germline.

Labcorp Genetics (formerly Invitae), Labcorp
Classification: Likely pathogenic for Ataxia-telangiectasia syndrome. Last evaluated: 2025-03-23. Review status: criteria provided, single submitter. Criteria: Invitae Variant Classification Sherloc (09022015). Collection method: clinical testing. Allele origin: germline.
Comment: This sequence change affects a donor splice site in intron 15 of the ATM gene. It is expected to disrupt RNA splicing. Variants that disrupt the donor or acceptor splice site typically lead to a loss of protein function (PMID: 16199547), and loss-of-function variants in ATM are known to be pathogenic (PMID: 23807571, 25614872). This variant is not present in population databases (gnomAD no frequency). Disruption of this splice site has been observed in individual(s) with ataxia-telangiectasia (PMID: 22213089). ClinVar contains an entry for this variant (Variation ID: 490469). Algorithms developed to predict the effect of sequence changes on RNA splicing suggest that this variant may disrupt the consensus splice site. In summary, the currently available evidence indicates that the variant is pathogenic, but additional data are needed to prove that conclusively. Therefore, this variant has been classified as Likely Pathogenic.

Ambry Genetics
Classification: Likely pathogenic for Hereditary cancer-predisposing syndrome. Last evaluated: 2024-04-09. Review status: criteria provided, single submitter. Criteria: Ambry Variant Classification Scheme 2023. Collection method: clinical testing. Allele origin: germline.
Comment: The c.2376+1G>A intronic variant results from a G to A substitution one nucleotide after coding exon 14 of the ATM gene. Alterations that disrupt the canonical splice site are expected to result in aberrant splicing. In silico splice site analysis predicts that this alteration will weaken the native splice donor site. The resulting transcript is predicted to be in-frame and is not expected to trigger nonsense-mediated mRNAdecay; however, direct evidence is unavailable. The exact functional effect of the altered amino acid sequence is unknown; however, the impacted region is critical for protein function (Ambry internal data). This variant has been identified in conjunction with another ATM variant in an individual diagnosed with ataxia telangiectasia; however, the phase of the two variants was not specified (Verhagen MM et al. Hum Mutat, 2012 Mar;33:561-71). This variant is considered to be rare based on population cohorts in the Genome Aggregation Database (gnomAD). This nucleotide position is highly conserved in available vertebrate species. Based on the majority of available evidence to date, this variant is likely to be pathogenic.

Fulgent Genetics
Classification: Pathogenic for Familial cancer of breast; Ataxia-telangiectasia syndrome. Last evaluated: 2024-01-30. Review status: criteria provided, single submitter. Criteria: ACMG Guidelines, 2015. Collection method: clinical testing. Allele origin: germline.

Color Diagnostics, LLC DBA Color Health
Classification: Likely pathogenic for Hereditary cancer-predisposing syndrome. Last evaluated: 2023-02-15. Review status: criteria provided, single submitter. Criteria: ACMG Guidelines, 2015. Collection method: clinical testing. Allele origin: germline.
Comment: This variant causes a G to A nucleotide substitution at the +1 position of intron 15 of the ATM gene. Splice site prediction tools suggest that this variant may have a significant impact on RNA splicing. RNA studies have shown this variant disrupts splicing and results in in-frame skipping of exon 15 (PMID: 35716007). This variant has been reported in the compound heterozygous state in an individual affected with ataxia-telangiectasia (PMID: 22213089, 28126470). In a large international case-control study, this variant was reported in 2/60466 breast cancer cases and absent in 53461 unaffected controls (PMID: 33471991). This variant has not been identified in the general population by the Genome Aggregation Database (gnomAD). Loss of ATM function is a known mechanism of disease. Based on the available evidence, this variant is classified as Likely Pathogenic.

Baylor Genetics
Classification: Pathogenic for Familial cancer of breast. Last evaluated: 2022-06-24. Review status: criteria provided, single submitter. Criteria: ACMG Guidelines, 2015. Collection method: clinical testing. Allele origin: unknown.

Clinical Genetics DNA and cytogenetics Diagnostics Lab, Erasmus MC, Erasmus Medical Center
Classification: Likely pathogenic. Review status: no assertion criteria provided. Collection method: clinical testing. Allele origin: germline. Affected: yes. Study: VKGL Data-share Consensus. Not counted in ClinVar's aggregate classification.

Diagnostic Laboratory, Department of Genetics, University Medical Center Groningen
Classification: Likely pathogenic. Review status: no assertion criteria provided. Collection method: clinical testing. Allele origin: germline. Affected: yes. Study: VKGL Data-share Consensus. Not counted in ClinVar's aggregate classification.

Literature cited by the submitters: PubMed 22213089 (cited by 4 submitters); PubMed 16199547 (cited by Labcorp Genetics (formerly Invitae), Labcorp); PubMed 23807571 (cited by Labcorp Genetics (formerly Invitae), Labcorp); PubMed 25614872 (cited by Labcorp Genetics (formerly Invitae), Labcorp); PubMed 28126470 (cited by Color Diagnostics, LLC DBA Color Health); PubMed 33471991 (cited by Color Diagnostics, LLC DBA Color Health); PubMed 35716007 (cited by Color Diagnostics, LLC DBA Color Health).

NM_000051.4(ATM):c.2376+1G>A

Gene: ATM (ATM serine/threonine kinase; plus strand). Cytogenetic location: 11q22.3.
Variant type: single nucleotide variant.
Coding change: c.2376+1G>A on transcript NM_000051.4 (MANE Select); the canonical splice donor site of the intron after coding-DNA position 2376, G replaced by A.
Molecular consequence: splice donor variant.
Genome position (GRCh38, 1-based): chr11:108,257,607, G>A. VCF-style: chr11-108257607-G-A. GRCh37 (hg19) VCF-style: chr11-108128334-G-A.
Other names: c.2376+1G>A (NM_001351834.2).
Identifiers: ClinVar variation 490469 (VCV000490469.20), dbSNP rs730881347, ClinGen allele CA382540432.